The following is an entry in ClinVar:

ClinVar aggregate classification (germline): Uncertain significance (1 of 4 stars; one submission).

Submission:

Ambry Genetics
Classification: Uncertain significance. Last evaluated: 2023-12-24. Review status: criteria provided, single submitter. Criteria: Ambry Variant Classification Scheme 2023. Collection method: clinical testing. Allele origin: germline.
Comment: The p.S1324N variant (also known as c.3971G>A), located in coding exon 17 of the NPAT gene, results from a G to A substitution at nucleotide position 3971. The serine at codon 1324 is replaced by asparagine, an amino acid with highly similar properties. This amino acid position is conserved. In addition, this alteration is predicted to be tolerated by in silico analysis. Since supporting evidence is limited at this time, the clinical significance of this alteration remains unclear.

NM_002519.3(NPAT):c.3971G>A (p.Ser1324Asn)

Gene: NPAT (nuclear protein, coactivator of histone transcription; minus strand). Cytogenetic location: 11q22.3.
Variant type: single nucleotide variant.
Coding change: c.3971G>A on transcript NM_002519.3 (MANE Select); coding-DNA position 3971, G replaced by A.
Protein change: p.Ser1324Asn; replaces serine 1324 with asparagine.
Molecular consequence: missense variant.
Genome position (GRCh38, 1-based): chr11:108,161,115, C>T on the plus strand (G>A on the coding strand, the complement: NPAT is on the minus strand). VCF-style: chr11-108161115-C-T. GRCh37 (hg19) VCF-style: chr11-108031842-C-T.
Other names: c.3992G>A, p.Ser1331Asn (NM_001321307.1); short protein forms S1324N, S1331N.
Identifiers: ClinVar variation 3222609 (VCV003222609.1), dbSNP rs2496693822, ClinGen allele CA382509648.
Genomic context (GRCh38, chr11:108,161,115, plus strand): 5'-GAAATGGCTGCCCTGGAGAGAATCATTAATGTGTGGGCAGCCATATTTACACTGTTTTCA[C>T]TTCCTGTTTCACTGGCAGGGCTGCAGGCAGGCAAGTCTGGGGTGACAGGAGGGACCATTA-3'
Protein context (NP_002510.2, residues 1314-1334): PACSPASETG[Ser1324Asn]ENSVNMAAHT